The following is an entry in ClinVar:

ClinVar aggregate classification (germline): Uncertain significance. Review status: criteria provided, single submitter (1 of 4 stars). 4 submissions from 2 submitters: Uncertain significance (3). 1 of the submissions does not count toward it. Last evaluated 2018-01-12.

Conditions:
Familial cylindromatosis. Also called: Turban tumor syndrome; ANCELL-SPIEGLER CYLINDROMAS. Identifiers: Orphanet 211, Orphanet 79493, MedGen C1851526, MONDO:0007565, OMIM 132700.
Brooke-Spiegler syndrome. Also called: CYLD Cutaneous Syndrome. Identifiers: Orphanet 79493, MedGen C1857941, MONDO:0011512, OMIM 605041.
Familial multiple trichoepitheliomata. Also called: Familial multiple trichoepithelioma. Identifiers: Orphanet 79493, Orphanet 867, MedGen C1275122, MONDO:0011114.

Allele frequency attached by ClinVar (database versions not stated): ExAC 0.00003; gnomAD exomes 0.00004 and 0.00005; TOPMed 0.00005; gnomAD 0.00007.
gnomAD v4.1: 68 of 1,613,466 alleles (0.0042%); highest among the groups gnomAD compares: Admixed American, 0.022%; no homozygotes.

Submissions (4):

Illumina Laboratory Services, Illumina
Classification: Uncertain significance for Brooke-Spiegler syndrome. Last evaluated: 2018-01-12. Review status: criteria provided, single submitter. Criteria: ICSL Variant Classification Criteria 13 December 2019. Collection method: clinical testing. Allele origin: germline.

Illumina Laboratory Services, Illumina
Classification: Uncertain significance for Trichoepithelioma, multiple familial, 1. Last evaluated: 2018-01-12. Review status: criteria provided, single submitter. Criteria: ICSL Variant Classification Criteria 13 December 2019. Collection method: clinical testing. Allele origin: germline.

Illumina Laboratory Services, Illumina
Classification: Uncertain significance for Familial cylindromatosis. Last evaluated: 2018-01-12. Review status: criteria provided, single submitter. Criteria: ICSL Variant Classification Criteria 13 December 2019. Collection method: clinical testing. Allele origin: germline.

ITMI
No classification provided. Condition: AllHighlyPenetrant. Last evaluated: 2013-09-19. Review status: no classification provided. Collection method: reference population. Allele origin: germline. Not counted in ClinVar's aggregate classification.
Comment: Please see associated publication for description of ethnicities

Literature cited by the submitters: PubMed 24728327 (cited by ITMI).

NM_001378743.1(CYLD):c.665C>A (p.Thr222Lys)

Gene: CYLD (CYLD lysine 63 deubiquitinase; plus strand). Cytogenetic location: 16q12.1.
Variant type: single nucleotide variant.
Coding change: c.665C>A on transcript NM_001378743.1 (MANE Select); coding-DNA position 665, C replaced by A.
Protein change: p.Thr222Lys; replaces threonine 222 with lysine.
Molecular consequence: missense variant. On other transcripts: 5 prime UTR variant (2), non-coding transcript variant (1).
Genome position (GRCh38, 1-based): chr16:50,751,764, C>A. VCF-style: chr16-50751764-C-A. GRCh37 (hg19) VCF-style: chr16-50785675-C-A.
Other names: c.665C>A, p.Thr222Lys (NM_001042355.2, NM_001042412.3, NM_001378744.1 and 10 more transcripts); c.-2C>A (NM_001378754.1, NM_001378755.1); short protein forms T222K.
Identifiers: ClinVar variation 133957 (VCV000133957.5), dbSNP rs587778225, ClinGen allele CA158243.